The following is an entry in ClinVar:

NM_000540.3(RYR1):c.13479C>T (p.Pro4493=)

Gene: RYR1 (ryanodine receptor 1; plus strand). Cytogenetic location: 19q13.2.
Variant type: single nucleotide variant.
Coding change: c.13479C>T on transcript NM_000540.3 (MANE Select); coding-DNA position 13479, C replaced by T.
Protein change: p.Pro4493=; no amino-acid change (proline 4493 retained).
Molecular consequence: synonymous variant.
Genome position (GRCh38, 1-based): chr19:38,566,952, C>T. VCF-style: chr19-38566952-C-T. GRCh37 (hg19) VCF-style: chr19-39057592-C-T.
Other names: c.13464C>T, p.Pro4488= (NM_001042723.2).
Identifiers: ClinVar variation 1594383 (VCV001594383.9), dbSNP rs768885593, ClinGen allele CA9415943.
Genomic context (GRCh38, chr19:38,566,952, plus strand): 5'-ATGCTTGCCCTGTCCCTAGGTGGATGGAGTGGAGGAGGAGCTCCCGCCAGAGCCAGAGCC[C>T]GAGCCGGAACCAGAGCTGGAGCCGGAGAAAGCCGAGTGAGTGGCCTTGGGGCTGAGGGGC-3'
Protein context (NP_000531.2, residues 4483-4503): VEEELPPEPE[Pro4493=]EPEPELEPEK

ClinVar aggregate classification (germline): Likely benign. Review status: criteria provided, multiple submitters, no conflicts (2 of 4 stars). 3 submissions from 3 submitters: Likely benign (3). Last evaluated 2025-05-19.

Conditions:
Malignant hyperthermia, susceptibility to, 1 (MHS1). Also called: Malignant hyperthermia suceptibility 1; Anesthesia related hyperthermia; Malignant hyperpyrexia; Fulminating hyperpyrexia; Pharmacogenic myopathy; RYR1-Related Malignant Hyperthermia Susceptibility. Identifiers: Orphanet 423, MedGen C2930980, MONDO:0007783, OMIM 145600.
RYR1-related disorder. Also called: RYR1-related condition; RYR1-related disorders. Identifiers: MedGen CN239331.

Allele frequency attached by ClinVar (database versions not stated): gnomAD exomes 0.00001; ExAC 0.00002.
gnomAD v4.1: 15 of 1,605,628 alleles (0.00093%); highest among the groups gnomAD compares: Middle Eastern, 0.017%; no homozygotes.

Submissions (3):

Labcorp Genetics (formerly Invitae), Labcorp
Classification: Likely benign for RYR1-related disorder. Last evaluated: 2025-05-19. Review status: criteria provided, single submitter. Criteria: Invitae Variant Classification Sherloc (09022015). Collection method: clinical testing. Allele origin: germline.

All of Us Research Program, National Institutes of Health
Classification: Likely benign for Malignant hyperthermia, susceptibility to, 1. Last evaluated: 2023-10-02. Review status: criteria provided, single submitter. Criteria: ACMG Guidelines, 2015. Collection method: clinical testing. Allele origin: germline. Inheritance: Autosomal dominant inheritance. Observed: 2 variant alleles, 2 heterozygotes.
Comment: This study involves interpretation of variants in research participants for the purpose of population health screening. Participant phenotype was not available at the time of variant classification. Additional details can be found in publication PMID: 35346344, PMCID: PMC8962531

Color Diagnostics, LLC DBA Color Health
Classification: Likely benign for Malignant hyperthermia, susceptibility to, 1. Last evaluated: 2022-11-06. Review status: criteria provided, single submitter. Criteria: ACMG Guidelines, 2015. Collection method: clinical testing. Allele origin: germline.